The following is an entry in ClinVar:

NM_001377540.1(SLMAP):c.1240C>A (p.His414Asn)

Gene: SLMAP (sarcolemma associated protein; plus strand). Cytogenetic location: 3p14.3.
Variant type: single nucleotide variant.
Coding change: c.1240C>A on transcript NM_001377540.1 (MANE Select); coding-DNA position 1240, C replaced by A.
Protein change: p.His414Asn; replaces histidine 414 with asparagine.
Molecular consequence: missense variant. On other transcripts: non-coding transcript variant (1), intron variant (9).
Genome position (GRCh38, 1-based): chr3:57,871,638, C>A. VCF-style: chr3-57871638-C-A. GRCh37 (hg19) VCF-style: chr3-57857365-C-A.
Other names: c.1240C>A, p.His414Asn (NM_001377538.1, NM_001377539.1, NM_001377555.1); c.1189C>A, p.His397Asn (NM_001377541.1, NM_001377542.1, NM_001377562.1 and 2 more transcripts); c.1138C>A, p.His380Asn (NM_001377549.1, NM_001377923.1, NM_007159.5); c.1237+6346C>A (NM_001377545.1, NM_001377922.1); c.1186+6781C>A (NM_001377552.1, NM_001377551.1, NM_001377924.1); c.1135+6922C>A (NM_001377559.1, NM_001377557.1, NM_001377925.1 and 1 more transcripts); short protein forms H380N, H397N, H414N.
Identifiers: ClinVar variation 4766726 (VCV004766726.1).

ClinVar aggregate classification (germline): Uncertain significance (1 of 4 stars; one submission).

Conditions:
Brugada syndrome. Also called: Sudden unexpected nocturnal death syndrome; Sudden Unexplained Death Syndrome; Sudden Unexplained Nocturnal Death Syndrome (SUNDS); Sudden unexplained nocturnal death syndrome. Identifiers: Orphanet 130, MedGen C1142166, MONDO:0015263.

gnomAD v4.1: 1 of 1,611,378 alleles (0.000062%); highest among the groups gnomAD compares: African/African-American, 0.0013%; no homozygotes.

Submission:

Labcorp Genetics (formerly Invitae), Labcorp
Classification: Uncertain significance for Brugada syndrome. Last evaluated: 2025-03-26. Review status: criteria provided, single submitter. Criteria: Invitae Variant Classification Sherloc (09022015). Collection method: clinical testing. Allele origin: germline.
Comment: This sequence change replaces histidine, which is basic and polar, with asparagine, which is neutral and polar, at codon 380 of the SLMAP protein (p.His380Asn). This variant is present in population databases (rs753572395, gnomAD 0.007%). This variant has not been reported in the literature in individuals affected with SLMAP-related conditions. An algorithm developed to predict the effect of missense changes on protein structure and function (PolyPhen-2) suggests that this variant is likely to be tolerated. In summary, the available evidence is currently insufficient to determine the role of this variant in disease. Therefore, it has been classified as a Variant of Uncertain Significance.